The following is an entry in ClinVar:

ClinVar aggregate classification (germline): Uncertain significance (1 of 4 stars; one submission).

Conditions:
Predisposition to invasive fungal disease due to CARD9 deficiency (IMD103). Also called: IMMUNODEFICIENCY 103, SUSCEPTIBILITY TO FUNGAL INFECTIONS; Candidiasis, familial, 2, autosomal recessive; CARD9 IMMUNODEFICIENCY. Identifiers: Orphanet 457088, MedGen C1859353, MONDO:0008905, OMIM 212050.

Submission:

Labcorp Genetics (formerly Invitae), Labcorp
Classification: Uncertain significance for Predisposition to invasive fungal disease due to CARD9 deficiency. Last evaluated: 2021-06-19. Review status: criteria provided, single submitter. Criteria: Invitae Variant Classification Sherloc (09022015). Collection method: clinical testing. Allele origin: germline.
Comment: In summary, the available evidence is currently insufficient to determine the role of this variant in disease. Therefore, it has been classified as a Variant of Uncertain Significance. Nucleotide substitutions within the consensus splice site are a relatively common cause of aberrant splicing (PMID: 17576681, 9536098). Algorithms developed to predict the effect of sequence changes on RNA splicing suggest that this variant may create or strengthen a splice site, but this prediction has not been confirmed by published transcriptional studies. This variant has not been reported in the literature in individuals with CARD9-related conditions. This variant is not present in population databases (ExAC no frequency). This sequence change falls in intron 7 of the CARD9 gene. It does not directly change the encoded amino acid sequence of the CARD9 protein. It affects a nucleotide within the consensus splice site of the intron.

Literature cited by the submitters: PubMed 17576681; PubMed 9536098.

NM_052813.5(CARD9):c.1077+6C>T

Gene: CARD9 (caspase recruitment domain family member 9; minus strand). Cytogenetic location: 9q34.3.
Variant type: single nucleotide variant.
Coding change: c.1077+6C>T on transcript NM_052813.5 (MANE Select); 6 bases into the intron after coding-DNA position 1077, C replaced by T.
Molecular consequence: intron variant.
Genome position (GRCh38, 1-based): chr9:136,369,744, G>A on the plus strand (C>T on the coding strand, the complement: CARD9 is on the minus strand). VCF-style: chr9-136369744-G-A. GRCh37 (hg19) VCF-style: chr9-139264196-G-A.
Other names: c.1077+6C>T (NM_052814.4).
Identifiers: ClinVar variation 1504873 (VCV001504873.6), dbSNP rs2131441696, ClinGen allele CA2573144426.